The following is an entry in ClinVar:

ClinVar aggregate classification (germline): Uncertain significance (1 of 4 stars; one submission).

Submission:

GeneDx
Classification: Uncertain significance. Last evaluated: 2026-04-22. Review status: criteria provided, single submitter. Criteria: GeneDx Variant Classification Process June 2021. Collection method: clinical testing. Allele origin: germline.
Comment: Not observed at significant frequency in large population cohorts (gnomAD); In silico analysis suggests that this missense variant does not alter protein structure/function; Has not been previously published as pathogenic or benign to our knowledge

NM_012199.5(AGO1):c.2210A>C (p.Asn737Thr)

Gene: AGO1 (argonaute RISC component 1; plus strand). Cytogenetic location: 1p34.3.
Variant type: single nucleotide variant.
Coding change: c.2210A>C on transcript NM_012199.5 (MANE Select); coding-DNA position 2210, A replaced by C.
Protein change: p.Asn737Thr; replaces asparagine 737 with threonine.
Molecular consequence: missense variant.
Genome position (GRCh38, 1-based): chr1:35,918,368, A>C. VCF-style: chr1-35918368-A-C. GRCh37 (hg19) VCF-style: chr1-36383969-A-C.
Other names: c.2210A>C, p.Asn737Thr (NM_001317122.2); c.1985A>C, p.Asn662Thr (NM_001317123.2); short protein forms N662T, N737T.
Identifiers: ClinVar variation 5037551 (VCV005037551.1).
Genomic context (GRCh38, chr1:35,918,368, plus strand): 5'-TTGTCTCTATACAGATTGGGAAGAGTGGTAACATCCCAGCTGGGACCACAGTGGACACCA[A>C]CATCACCCACCCATTTGAGTTTGACTTCTATCTGTGCAGCCACGCAGGCATCCAGGTAGC-3'
Protein context (NP_036331.1, residues 727-747): NIPAGTTVDT[Asn737Thr]ITHPFEFDFY